The following is an entry in ClinVar:

ClinVar aggregate classification (germline): Benign. Review status: criteria provided, multiple submitters, no conflicts (2 of 4 stars). 6 submissions from 6 submitters: Benign (5). 1 of the submissions does not count toward it. Last evaluated 2026-02-04.

Conditions:
PGM1-congenital disorder of glycosylation. Also called: Congenital disorder of glycosylation type 1t; PHOSPHOGLUCOMUTASE 1 DEFICIENCY; PGM1 DEFICIENCY; GLYCOGEN STORAGE DISEASE XIV; GSD XIV; CDG It. Identifiers: Orphanet 319646, MedGen C2752015, MONDO:0013968, OMIM 614921.

Allele frequency attached by ClinVar (database versions not stated): ESP Exome Variant Server 0.22805; gnomAD 0.25474; TOPMed 0.25794; 1000 Genomes Project 0.27616; 1000 Genomes Project 30x 0.28201.
gnomAD v4.1: 335,963 of 1,608,322 alleles (21%); highest among the groups gnomAD compares: Admixed American, 40%; 38,224 homozygotes.

Submissions (6):

Labcorp Genetics (formerly Invitae), Labcorp
Classification: Benign for PGM1-congenital disorder of glycosylation. Last evaluated: 2026-02-04. Review status: criteria provided, single submitter. Criteria: Invitae Variant Classification Sherloc (09022015). Collection method: clinical testing. Allele origin: germline.

Blueprint Genetics
Classification: Benign. Last evaluated: 2024-11-26. Review status: criteria provided, single submitter. Criteria: ACMG Guidelines, 2015. Collection method: clinical testing. Allele origin: germline.

Unidad de Genómica Garrahan, Hospital de Pediatría Garrahan
Classification: Benign. Last evaluated: 2024-01-24. Review status: criteria provided, single submitter. Criteria: ACMG Guidelines, 2015. Collection method: clinical testing. Allele origin: germline. Affected: no. Observed: 59 variant alleles.
Comment: This variant is classified as Benign based on local population frequency. This variant was detected in 62% of patients studied by a panel of primary immunodeficiencies. Number of patients: 59. Only high quality variants are reported.

GeneDx
Classification: Benign. Last evaluated: 2015-12-02. Review status: criteria provided, single submitter. Criteria: GeneDx Variant Classification (06012015). Collection method: clinical testing. Allele origin: germline. Affected: yes.
Comment: This variant is considered likely benign or benign based on one or more of the following criteria: it is a conservative change, it occurs at a poorly conserved position in the protein, it is predicted to be benign by multiple in silico algorithms, and/or has population frequency not consistent with disease.

Breakthrough Genomics
Classification: Benign. Review status: criteria provided, single submitter. Criteria: ACMG Guidelines, 2015. Collection method: not provided. Allele origin: germline. Inheritance: Autosomal recessive inheritance. Affected: yes.

Mayo Clinic Laboratories, Mayo Clinic
Classification: Benign. Last evaluated: 2015-10-23. Review status: no assertion criteria provided. Collection method: clinical testing. Allele origin: unknown. Not counted in ClinVar's aggregate classification.

NM_002633.3(PGM1):c.1464+14G>T

Gene: PGM1 (phosphoglucomutase 1; plus strand). Cytogenetic location: 1p31.3.
Variant type: single nucleotide variant.
Coding change: c.1464+14G>T on transcript NM_002633.3 (MANE Select); 14 bases into the intron after coding-DNA position 1464, G replaced by T.
Molecular consequence: intron variant.
Genome position (GRCh38, 1-based): chr1:63,651,866, G>T. VCF-style: chr1-63651866-G-T. GRCh37 (hg19) VCF-style: chr1-64117537-G-T.
Other names: c.873+14G>T (NM_001172819.2); c.1518+14G>T (NM_001172818.1).
Identifiers: ClinVar variation 297890 (VCV000297890.21), dbSNP rs2269238, ClinGen allele CA889843.